The following is an entry in ClinVar:

ClinVar aggregate classification (germline): Uncertain significance (1 of 4 stars; one submission).

Conditions:
Neurodevelopmental disorder with hypotonia, language delay, and skeletal defects with or without seizures (NEDHLSS). Identifiers: MedGen C5774213, MONDO:0859286, OMIM 620029.

Submission:

Victorian Clinical Genetics Services, Murdoch Childrens Research Institute
Classification: Uncertain significance for Neurodevelopmental disorder with hypotonia, language delay, and skeletal defects with or without seizures. Last evaluated: 2023-07-17. Review status: criteria provided, single submitter. Criteria: ACMG Guidelines, 2015. Collection method: clinical testing. Allele origin: germline. Inheritance: Autosomal dominant inheritance. Affected: yes.
Comment: Based on the classification scheme VCGS_Germline_v1.3.4, this variant is classified as VUS-3B. Following criteria are met: 0103 - Loss of function and gain of function are known mechanisms of disease in this gene. Loss-of-function variants are associated with neurodevelopmental disorder with hypotonia, language delay, and skeletal defects with or without seizures, AD (MIM#620029) (PMID: 34163037). Gain-of-function missense variants result in loss of channel inactivation and increased current, and are associated with long QT syndrome 8 (MIM#618447) and Timothy syndrome (MIM#601005, PMID: 25260352). (I) 0107 - This gene is associated with autosomal dominant disease. (I) 0115 - Variants in this gene are known to have variable expressivity. Parents with the same variant as their affected child have been observed to have a less severe phenotype (PMID: 34163037). (I) 0212 - Non-canonical splice site variant without proven consequence on splicing (no functional evidence available). (SP) 0251 - This variant is heterozygous. (I) 0301 - Variant is absent from gnomAD (both v2 and v3). (SP) 0508 - In silico predictions for abnormal splicing are conflicting. (I) 0705 - No comparable splice variants have previous evidence for pathogenicity. (I) 0807 - This variant has no previous evidence of pathogenicity. (I) 0905 - No published segregation evidence has been identified for this variant. (I) 1007 - No published functional evidence has been identified for this variant. (I) 1208 - Inheritance information for this variant is not currently available in this individual. (I) Legend: (SP) - Supporting pathogenic, (I) - Information, (SB) - Supporting benign

Literature cited by the submitters: PubMed 25260352; PubMed 34163037.

NM_000719.7(CACNA1C):c.3945+5G>A

Gene: CACNA1C (calcium voltage-gated channel subunit alpha1 C; plus strand). Cytogenetic location: 12p13.33.
Variant type: single nucleotide variant.
Coding change: c.3945+5G>A on transcript NM_000719.7 (MANE Select); 5 bases into the intron after coding-DNA position 3945, G replaced by A.
Molecular consequence: intron variant.
Genome position (GRCh38, 1-based): chr12:2,648,512, G>A. VCF-style: chr12-2648512-G-A. GRCh37 (hg19) VCF-style: chr12-2757678-G-A.
Other names: c.3945+5G>A (NM_001167624.3, NM_001167623.2, NM_001129840.2 and 8 more transcripts); c.3913-3128G>A (NM_001167625.2, NM_001129837.2, NM_001129838.2 and 1 more transcripts); c.4089+5G>A (NM_199460.4, NM_001129827.2); c.4005+5G>A (NM_001129832.2); c.4029+5G>A (NM_001129831.2); c.3907-3128G>A (NM_001129839.2); c.3997-3128G>A (NM_001129836.2); c.3936+5G>A (NM_001129844.2).
Identifiers: ClinVar variation 3254656 (VCV003254656.1), dbSNP rs1603305535.